The following is an entry in ClinVar:

NM_001369.3(DNAH5):c.12673C>T (p.Gln4225Ter)

Gene: DNAH5 (dynein axonemal heavy chain 5; minus strand). Cytogenetic location: 5p15.2.
Variant type: single nucleotide variant.
Coding change: c.12673C>T on transcript NM_001369.3 (MANE Select); coding-DNA position 12673, C replaced by T.
Protein change: p.Gln4225Ter; replaces glutamine 4225 with a stop codon.
Molecular consequence: nonsense.
Genome position (GRCh38, 1-based): chr5:13,717,347, G>A on the plus strand (C>T on the coding strand, the complement: DNAH5 is on the minus strand). VCF-style: chr5-13717347-G-A. GRCh37 (hg19) VCF-style: chr5-13717456-G-A.
Other names: short protein forms Q4225*.
Identifiers: ClinVar variation 2815385 (VCV002815385.3), dbSNP rs1390701361, ClinGen allele CA359206421.

ClinVar aggregate classification (germline): Pathogenic (1 of 4 stars; one submission).

Conditions:
Primary ciliary dyskinesia. Also called: Ciliary dyskinesia. Identifiers: Orphanet 244, MedGen C0008780, MONDO:0016575, HP:0012265.

gnomAD v4.1: 2 of 1,613,968 alleles (0.00012%); highest among the groups gnomAD compares: Non-Finnish European, 0.00017%; no homozygotes.

Submission:

Labcorp Genetics (formerly Invitae), Labcorp
Classification: Pathogenic for Primary ciliary dyskinesia. Last evaluated: 2023-07-25. Review status: criteria provided, single submitter. Criteria: Invitae Variant Classification Sherloc (09022015). Collection method: clinical testing. Allele origin: germline.
Comment: For these reasons, this variant has been classified as Pathogenic. This variant has not been reported in the literature in individuals affected with DNAH5-related conditions. This variant is not present in population databases (gnomAD no frequency). This sequence change creates a premature translational stop signal (p.Gln4225*) in the DNAH5 gene. It is expected to result in an absent or disrupted protein product. Loss-of-function variants in DNAH5 are known to be pathogenic (PMID: 11788826, 16627867).

Literature cited by the submitters: PubMed 11788826; PubMed 16627867.